The following is an entry in ClinVar:

NM_003791.4(MBTPS1):c.1417C>G (p.Gln473Glu)

Gene: MBTPS1 (membrane bound transcription factor peptidase, site 1; minus strand). Cytogenetic location: 16q23.3.
Variant type: single nucleotide variant.
Coding change: c.1417C>G on transcript NM_003791.4 (MANE Select); coding-DNA position 1417, C replaced by G.
Protein change: p.Gln473Glu; replaces glutamine 473 with glutamic acid.
Molecular consequence: missense variant.
Genome position (GRCh38, 1-based): chr16:84,081,778, G>C on the plus strand (C>G on the coding strand, the complement: MBTPS1 is on the minus strand). VCF-style: chr16-84081778-G-C. GRCh37 (hg19) VCF-style: chr16-84115383-G-C.
Other names: short protein forms Q473E.
Identifiers: ClinVar variation 4694746 (VCV004694746.1).

ClinVar aggregate classification (germline): Uncertain significance (1 of 4 stars; one submission).

gnomAD v4.1: 6 of 1,462,602 alleles (0.00041%); highest among the groups gnomAD compares: East Asian, 0.01%; no homozygotes.

Submission:

Labcorp Genetics (formerly Invitae), Labcorp
Classification: Uncertain significance. Last evaluated: 2025-12-15. Review status: criteria provided, single submitter. Criteria: Invitae Variant Classification Sherloc (09022015). Collection method: clinical testing. Allele origin: germline.
Comment: This sequence change replaces glutamine, which is neutral and polar, with glutamic acid, which is acidic and polar, at codon 473 of the MBTPS1 protein (p.Gln473Glu). This variant is not present in population databases (gnomAD no frequency). This variant has not been reported in the literature in individuals affected with MBTPS1-related conditions. An algorithm developed to predict the effect of missense changes on protein structure and function (PolyPhen-2) suggests that this variant is likely to be tolerated. In summary, the available evidence is currently insufficient to determine the role of this variant in disease. Therefore, it has been classified as a Variant of Uncertain Significance.